The following is an entry in ClinVar:

NM_001009944.3(PKD1):c.3991G>C (p.Gly1331Arg)

Gene: PKD1 (polycystin 1, transient receptor potential channel interacting; minus strand). Cytogenetic location: 16p13.3.
Variant type: single nucleotide variant.
Coding change: c.3991G>C on transcript NM_001009944.3 (MANE Select); coding-DNA position 3991, G replaced by C.
Protein change: p.Gly1331Arg; replaces glycine 1331 with arginine.
Molecular consequence: missense variant.
Genome position (GRCh38, 1-based): chr16:2,111,176, C>G on the plus strand (G>C on the coding strand, the complement: PKD1 is on the minus strand). VCF-style: chr16-2111176-C-G. GRCh37 (hg19) VCF-style: chr16-2161177-C-G.
Other names: c.3991G>C, p.Gly1331Arg (NM_000296.4); short protein forms G1331R.
Identifiers: ClinVar variation 4992551 (VCV004992551.1).

ClinVar aggregate classification (germline): Uncertain significance (1 of 4 stars; one submission).

Conditions:
PKD1-related disorder. Also called: PKD1-related condition.

Submission:

PreventionGenetics, part of Exact Sciences
Classification: Uncertain significance for PKD1-related condition. Last evaluated: 2026-06-25. Review status: criteria provided, single submitter. Criteria: ACMG Guidelines, 2015. Collection method: clinical testing. Allele origin: germline.
Comment: The PKD1 c.3991G>C variant is predicted to result in the amino acid substitution p.Gly1331Arg. To our knowledge, this variant has not been reported in the literature or in a large population database (gnomAD), indicating this variant is rare. At this time, the clinical significance of this variant is uncertain due to the absence of conclusive functional and genetic evidence.